The following is an entry in ClinVar:

NM_001145809.2(MYH14):c.4752+16G>A

Gene: MYH14 (myosin heavy chain 14; plus strand). Cytogenetic location: 19q13.33.
Variant type: single nucleotide variant.
Coding change: c.4752+16G>A on transcript NM_001145809.2 (MANE Select); 16 bases into the intron after coding-DNA position 4752, G replaced by A.
Molecular consequence: intron variant.
Genome position (GRCh38, 1-based): chr19:50,286,710, G>A. VCF-style: chr19-50286710-G-A. GRCh37 (hg19) VCF-style: chr19-50789967-G-A.
Other names: c.4653+16G>A (NM_001077186.2); c.4629+16G>A (NM_024729.4).
Identifiers: ClinVar variation 257576 (VCV000257576.12), dbSNP rs10406788, ClinGen allele CA9593593.

ClinVar aggregate classification (germline): Benign. Review status: criteria provided, multiple submitters, no conflicts (2 of 4 stars). 4 submissions from 4 submitters: Benign (4). Last evaluated 2026-02-04.

Allele frequency attached by ClinVar (database versions not stated): gnomAD exomes 0.09540 and 0.10045; 1000 Genomes Project 0.12161; 1000 Genomes Project 30x 0.12680; gnomAD 0.13891 and 0.14474; TOPMed 0.14396; ExAC 0.14466; ESP Exome Variant Server 0.14891.
gnomAD v4.1: 162,521 of 1,556,746 alleles (10%); highest among the groups gnomAD compares: African/African-American, 26%; 9,926 homozygotes.

Submissions (4):

Labcorp Genetics (formerly Invitae), Labcorp
Classification: Benign. Last evaluated: 2026-02-04. Review status: criteria provided, single submitter. Criteria: Invitae Variant Classification Sherloc (09022015). Collection method: clinical testing. Allele origin: germline.

GeneDx
Classification: Benign. Last evaluated: 2018-06-16. Review status: criteria provided, single submitter. Criteria: GeneDx Variant Classification (06012015). Collection method: clinical testing. Allele origin: germline. Affected: yes.
Comment: This variant is considered likely benign or benign based on one or more of the following criteria: it is a conservative change, it occurs at a poorly conserved position in the protein, it is predicted to be benign by multiple in silico algorithms, and/or has population frequency not consistent with disease.

Breakthrough Genomics
Classification: Benign. Review status: criteria provided, single submitter. Criteria: ACMG Guidelines, 2015. Collection method: not provided. Allele origin: germline. Inheritance: Autosomal dominant inheritance. Affected: yes.

PreventionGenetics, part of Exact Sciences
Classification: Benign. Review status: criteria provided, single submitter. Criteria: ACMG Guidelines, 2015. Collection method: clinical testing. Allele origin: germline.